The following is an entry in ClinVar:

NM_013436.5(NCKAP1):c.977A>T (p.Glu326Val)

Gene: NCKAP1 (NCK associated protein 1; minus strand). Cytogenetic location: 2q32.1.
Variant type: single nucleotide variant.
Coding change: c.977A>T on transcript NM_013436.5 (MANE Select); coding-DNA position 977, A replaced by T.
Protein change: p.Glu326Val; replaces glutamic acid 326 with valine.
Molecular consequence: missense variant.
Genome position (GRCh38, 1-based): chr2:182,986,198, T>A on the plus strand (A>T on the coding strand, the complement: NCKAP1 is on the minus strand). VCF-style: chr2-182986198-T-A. GRCh37 (hg19) VCF-style: chr2-183850926-T-A.
Other names: c.995A>T, p.Glu332Val (NM_205842.3); short protein forms E326V, E332V.
Identifiers: ClinVar variation 3901343 (VCV003901343.1).
Genomic context (GRCh38, chr2:182,986,198, plus strand): 5'-TAAAGCTACCACGGATAAAATAAAACTACTCACGCATGTGACACGGCTGCCTCCTTGCAT[T>A]CTCTTATGTCATTAATACGTTTATTATAGCTAGGTGCAAAAACAAATTAGAACGTTAGTT-3'
Protein context (NP_038464.1, residues 316-336): GYNKRINDIR[Glu326Val]CKEAAVSHAG

ClinVar aggregate classification (germline): Uncertain significance (1 of 4 stars; one submission).

Submission:

GeneDx
Classification: Uncertain significance. Last evaluated: 2024-12-08. Review status: criteria provided, single submitter. Criteria: GeneDx Variant Classification Process June 2021. Collection method: clinical testing. Allele origin: germline. Affected: yes.
Comment: Not observed at significant frequency in large population cohorts (gnomAD); In silico analysis supports that this missense variant has a deleterious effect on protein structure/function; Has not been previously published as pathogenic or benign to our knowledge